The following is an entry in ClinVar:

ClinVar aggregate classification (germline): Uncertain significance (1 of 4 stars; one submission).

Submission:

Women's Health and Genetics/Laboratory Corporation of America, LabCorp
Classification: Uncertain significance. Last evaluated: 2026-04-10. Review status: criteria provided, single submitter. Criteria: LabCorp Variant Classification Summary - May 2015. Collection method: clinical testing. Allele origin: germline.
Comment: Variant summary: CLPB c.1577_1578delinsTT (p.Gly526Val) results in a non-conservative amino acid change in the encoded protein sequence. Algorithms developed to predict the effect of missense changes on protein structure and function are either unavailable or do not agree on the potential impact of this missense change. Consensus agreement among computation tools predict no significant impact on normal splicing. However, these predictions have yet to be confirmed by functional studies. The variant was absent in 251398 control chromosomes. The available data on variant occurrences in the general population are insufficient to allow any conclusion about variant significance. To our knowledge, no occurrence of c.1577_1578delinsTT in individuals affected with CLPB-related conditions and no experimental evidence demonstrating its impact on protein function have been reported. No submitters have cited clinical-significance assessments for this variant to ClinVar. Based on the evidence outlined above, the variant was classified as uncertain significance.

NM_001258392.3(CLPB):c.1487_1488delinsTT (p.Gly496Val)

Gene: CLPB (ClpB family mitochondrial disaggregase; minus strand). Cytogenetic location: 11q13.4.
Variant type: Indel.
Coding change: c.1487_1488delinsTT on transcript NM_001258392.3 (MANE Select); coding-DNA positions 1487 to 1488, GG replaced by TT.
Protein change: p.Gly496Val; replaces glycine 496 with valine.
Molecular consequence: missense variant.
Genome position (GRCh38, 1-based): chr11:72,294,692-72,294,693, CC replaced by AA on the plus strand (GG replaced by TT on the coding strand, the reverse complement: CLPB is on the minus strand). VCF-style: chr11-72294692-CC-AA. GRCh37 (hg19) VCF-style: chr11-72005736-CC-AA.
Other names: c.1400_1401delinsTT, p.Gly467Val (NM_001258393.3); c.1442_1443delinsTT, p.Gly481Val (NM_001258394.3); c.1577_1578delinsTT, p.Gly526Val (NM_030813.6); short protein forms G467V, G481V, G496V, G526V.
Identifiers: ClinVar variation 4848693 (VCV004848693.1).